The following is an entry in ClinVar:

NM_001429.4(EP300):c.444G>A (p.Thr148=)

Gene: EP300 (EP300 lysine acetyltransferase; plus strand). Cytogenetic location: 22q13.2.
Variant type: single nucleotide variant.
Coding change: c.444G>A on transcript NM_001429.4 (MANE Select); coding-DNA position 444, G replaced by A.
Protein change: p.Thr148=; no amino-acid change (threonine 148 retained).
Molecular consequence: synonymous variant.
Genome position (GRCh38, 1-based): chr22:41,117,536, G>A. VCF-style: chr22-41117536-G-A. GRCh37 (hg19) VCF-style: chr22-41513540-G-A.
Other names: c.444G>A, p.Thr148= (NM_001362843.2).
Identifiers: ClinVar variation 341776 (VCV000341776.15), dbSNP rs376779611, ClinGen allele CA10252250.

ClinVar aggregate classification (germline): Likely benign. Review status: criteria provided, multiple submitters, no conflicts (2 of 4 stars). 3 submissions from 3 submitters: Likely benign (2). 1 of the submissions does not count toward it. Last evaluated 2024-08-28.

Conditions:
EP300-related disorder. Also called: EP300-related condition; EP300-related disorders.
Rubinstein-Taybi syndrome due to EP300 haploinsufficiency. Also called: EP300-Related Rubinstein-Taybi Syndrome; RUBINSTEIN-TAYBI SYNDROME 2. Identifiers: Orphanet 353284, Orphanet 783, MedGen C3150941, MONDO:0013364, OMIM 613684.

Allele frequency attached by ClinVar (database versions not stated): ESP Exome Variant Server 0.00008; TOPMed 0.00012; gnomAD 0.00022; 1000 Genomes Project 0.00040; 1000 Genomes Project 30x 0.00047.
gnomAD v4.1: 63 of 1,614,208 alleles (0.0039%); highest among the groups gnomAD compares: African/African-American, 0.051%; no homozygotes.

Submissions (3):

Labcorp Genetics (formerly Invitae), Labcorp
Classification: Likely benign for Rubinstein-Taybi syndrome due to EP300 haploinsufficiency. Last evaluated: 2024-08-28. Review status: criteria provided, single submitter. Criteria: Invitae Variant Classification Sherloc (09022015). Collection method: clinical testing. Allele origin: germline.

Breakthrough Genomics
Classification: Likely benign. Review status: criteria provided, single submitter. Criteria: ACMG Guidelines, 2015. Collection method: not provided. Allele origin: germline. Inheritance: Autosomal dominant inheritance. Affected: yes.

PreventionGenetics, part of Exact Sciences
Classification: Likely benign for EP300-related condition. Last evaluated: 2021-07-21. Review status: no assertion criteria provided. Collection method: clinical testing. Allele origin: germline. Not counted in ClinVar's aggregate classification.
Comment: This variant is classified as likely benign based on ACMG/AMP sequence variant interpretation guidelines (Richards et al. 2015 PMID: 25741868, with internal and published modifications).